The following is an entry in ClinVar:

NM_005633.4(SOS1):c.1983A>G (p.Ile661Met)

Gene: SOS1 (SOS Ras/Rac guanine nucleotide exchange factor 1; minus strand). Cytogenetic location: 2p22.1.
Variant type: single nucleotide variant.
Coding change: c.1983A>G on transcript NM_005633.4 (MANE Select); coding-DNA position 1983, A replaced by G.
Protein change: p.Ile661Met; replaces isoleucine 661 with methionine.
Molecular consequence: missense variant.
Genome position (GRCh38, 1-based): chr2:39,013,947, T>C on the plus strand (A>G on the coding strand, the complement: SOS1 is on the minus strand). VCF-style: chr2-39013947-T-C. GRCh37 (hg19) VCF-style: chr2-39241088-T-C.
Other names: c.1962A>G, p.Ile654Met (NM_001382394.1); c.1983A>G, p.Ile661Met (NM_001382395.1); short protein forms I654M, I661M.
Identifiers: ClinVar variation 1194559 (VCV001194559.9), dbSNP rs747203627, ClinGen allele CA1624496.

ClinVar aggregate classification (germline): Conflicting classifications of pathogenicity. Review status: criteria provided, conflicting classifications (1 of 4 stars). 5 submissions from 5 submitters: Uncertain significance (3); Benign (1); Likely benign (1). Last evaluated 2026-02-24.

Conditions:
Cardiovascular phenotype. Identifiers: MedGen CN230736.
SOS1-related disorder. Also called: SOS1-related condition.
Fibromatosis, gingival, 1 (GINGF1). Identifiers: Orphanet 2024, MedGen C4551558, MONDO:0007609, OMIM 135300.
Noonan syndrome 4 (NS4). Also called: SOS1-Related Noonan Syndrome; NOONAN SYNDROME WITH PIGMENTED VILLONODULAR SYNOVITIS. Identifiers: Orphanet 648, MedGen C1853120, MONDO:0012547, OMIM 610733.
RASopathy. Also called: rasopathies; Noonan spectrum disorder. Identifiers: Orphanet 536391, MedGen C5555857, MONDO:0021060.

Allele frequency attached by ClinVar (database versions not stated): gnomAD exomes below 0.00001; ExAC 0.00001; gnomAD 0.00001; TOPMed 0.00002.
gnomAD v4.1: 3 of 1,604,980 alleles (0.00019%); highest among the groups gnomAD compares: African/African-American, 0.004%; no homozygotes.

Submissions (5):

PreventionGenetics, part of Exact Sciences
Classification: Uncertain significance for SOS1-related condition. Last evaluated: 2026-02-24. Review status: criteria provided, single submitter. Criteria: ACMG Guidelines, 2015. Collection method: clinical testing. Allele origin: germline.
Comment: The SOS1 c.1983A>G variant is predicted to result in the amino acid substitution p.Ile661Met. To our knowledge, this variant has not been reported in the literature. This variant is reported in 0.0080% of alleles in individuals of African descent in gnomAD. At this time, the clinical significance of this variant is uncertain due to the absence of conclusive functional and genetic evidence.

Labcorp Genetics (formerly Invitae), Labcorp
Classification: Benign for RASopathy. Last evaluated: 2025-11-06. Review status: criteria provided, single submitter. Criteria: Invitae Variant Classification Sherloc (09022015). Collection method: clinical testing. Allele origin: germline.

Ambry Genetics
Classification: Likely benign for Cardiovascular phenotype. Last evaluated: 2025-09-15. Review status: criteria provided, single submitter. Criteria: Ambry Variant Classification Scheme 2023. Collection method: clinical testing. Allele origin: germline.

Fulgent Genetics
Classification: Uncertain significance for Fibromatosis, gingival, 1; Noonan syndrome 4. Last evaluated: 2021-09-27. Review status: criteria provided, single submitter. Criteria: ACMG Guidelines, 2015. Collection method: clinical testing. Allele origin: unknown.

GeneDx
Classification: Uncertain significance. Last evaluated: 2021-03-05. Review status: criteria provided, single submitter. Criteria: GeneDx Variant Classification Process June 2021. Collection method: clinical testing. Allele origin: germline. Affected: yes.
Comment: Has not been previously published as pathogenic or benign to our knowledge; In silico analysis supports that this missense variant does not alter protein structure/function; Missense variants in this gene are often considered pathogenic (Stenson et al., 2014)